The following is an entry in ClinVar:

NM_001283009.2(RTEL1):c.238C>A (p.Leu80Ile)

Genes: RTEL1 (regulator of telomere elongation helicase 1; plus strand), RTEL1-TNFRSF6B (RTEL1-TNFRSF6B readthrough (NMD candidate); plus strand). Cytogenetic location: 20q13.33.
Variant type: single nucleotide variant.
Coding change: c.238C>A on transcript NM_001283009.2 (MANE Select); coding-DNA position 238, C replaced by A.
Protein change: p.Leu80Ile; replaces leucine 80 with isoleucine.
Molecular consequence: missense variant. On other transcripts: non-coding transcript variant (1), 5 prime UTR variant (1).
Genome position (GRCh38, 1-based): chr20:63,661,433, C>A. VCF-style: chr20-63661433-C-A. GRCh37 (hg19) VCF-style: chr20-62292786-C-A.
Other names: c.-432C>A (NM_001283010.1); c.238C>A, p.Leu80Ile (NM_016434.4, NM_032957.5); short protein forms L80I.
Identifiers: ClinVar variation 4787930 (VCV004787930.1).

ClinVar aggregate classification (germline): Uncertain significance (1 of 4 stars; one submission).

Conditions:
Pulmonary fibrosis and/or bone marrow failure, Telomere-related, 3. Also called: PULMONARY FIBROSIS AND/OR BONE MARROW FAILURE SYNDROME, TELOMERE-RELATED, 3. Identifiers: Orphanet 2032, MedGen C4225346, MONDO:0014613, OMIM 616373.
Dyskeratosis congenita, autosomal recessive 5 (DKCB5). Identifiers: MedGen C3554656, MONDO:0014076, OMIM 615190.

Submission:

Labcorp Genetics (formerly Invitae), Labcorp
Classification: Uncertain significance for Dyskeratosis congenita, autosomal recessive 5; Pulmonary fibrosis and/or bone marrow failure, Telomere-related, 3. Last evaluated: 2025-06-14. Review status: criteria provided, single submitter. Criteria: Invitae Variant Classification Sherloc (09022015). Collection method: clinical testing. Allele origin: germline.
Comment: This sequence change replaces leucine, which is neutral and non-polar, with isoleucine, which is neutral and non-polar, at codon 80 of the RTEL1 protein (p.Leu80Ile). This variant is not present in population databases (gnomAD no frequency). This variant has not been reported in the literature in individuals affected with RTEL1-related conditions. An algorithm developed to predict the effect of missense changes on protein structure and function (PolyPhen-2) suggests that this variant is likely to be disruptive. In summary, the available evidence is currently insufficient to determine the role of this variant in disease. Therefore, it has been classified as a Variant of Uncertain Significance.